The following is an entry in ClinVar:

NM_001243279.3(ACSF3):c.827G>A (p.Trp276Ter)

Gene: ACSF3 (acyl-CoA synthetase family member 3; plus strand). Cytogenetic location: 16q24.3.
Variant type: single nucleotide variant.
Coding change: c.827G>A on transcript NM_001243279.3 (MANE Select); coding-DNA position 827, G replaced by A.
Protein change: p.Trp276Ter; replaces tryptophan 276 with a stop codon.
Molecular consequence: nonsense. On other transcripts: non-coding transcript variant (3).
Genome position (GRCh38, 1-based): chr16:89,112,096, G>A. VCF-style: chr16-89112096-G-A. GRCh37 (hg19) VCF-style: chr16-89178504-G-A.
Other names: c.827G>A, p.Trp276Ter (NM_001127214.4, NM_174917.5); c.32G>A, p.Trp11Ter (NM_001284316.2); short protein forms W276*, W11*.
Identifiers: ClinVar variation 959078 (VCV000959078.15), dbSNP rs759338401, ClinGen allele CA8237857.
Genomic context (GRCh38, chr16:89,112,096, plus strand): 5'-GCCACGGGCCCCAGTGCCTGCTCATCTTCCTACCGAGTGCTTCCTTTCCTTCGTAGGTTT[G>A]GGAAAAGTTCTTAAGTTCTGAAACGCCGCGGATCAATGTCTTTATGGCAGTGCCTACAAT-3'

ClinVar aggregate classification (germline): Pathogenic/Likely pathogenic. Review status: criteria provided, multiple submitters, no conflicts (2 of 4 stars). 6 submissions from 6 submitters: Pathogenic (1); Likely pathogenic (5). Last evaluated 2026-06-16.

Conditions:
ACSF3-related disorder. Also called: ACSF3-related condition.
Combined malonic and methylmalonic acidemia. Identifiers: Orphanet 289504, MedGen C3280314, MONDO:0013661, OMIM 614265.

Allele frequency attached by ClinVar (database versions not stated): gnomAD 0.00001; TOPMed 0.00002.
gnomAD v4.1: 9 of 1,613,984 alleles (0.00056%); highest among the groups gnomAD compares: Admixed American, 0.0033%; no homozygotes.

Submissions (6):

PreventionGenetics, part of Exact Sciences
Classification: Likely pathogenic for ACSF3-related condition. Last evaluated: 2026-06-16. Review status: criteria provided, single submitter. Criteria: ACMG Guidelines, 2015. Collection method: clinical testing. Allele origin: germline.
Comment: The ACSF3 c.827G>A variant is predicted to result in premature protein termination (p.Trp276*). To our knowledge, this variant has not been reported in the literature. This variant is reported in 0.0033% of alleles in individuals of Latino descent in gnomAD. Nonsense variants in ACSF3 are expected to be pathogenic. This variant is interpreted as likely pathogenic.

Dasa
Classification: Likely pathogenic. Last evaluated: 2026-04-09. Review status: criteria provided, single submitter. Criteria: DASA Assertion Criteria. Collection method: clinical testing. Allele origin: germline.
Comment: NM_001243279.3(ACSF3):c.827G>A (p.Trp276*) is a nonsense variant in ACSF3 predicted to introduce a premature termination codon and is predicted to result in an absent or altered protein product. Loss of function is an established disease mechanism for ACSF3-associated disorders. Also, this variant is rare in population databases. Based on the currently available evidence, this variant is classified as likely pathogenic.

Labcorp Genetics (formerly Invitae), Labcorp
Classification: Pathogenic for Combined malonic and methylmalonic acidemia. Last evaluated: 2025-08-10. Review status: criteria provided, single submitter. Criteria: Invitae Variant Classification Sherloc (09022015). Collection method: clinical testing. Allele origin: germline.
Comment: This sequence change creates a premature translational stop signal (p.Trp276*) in the ACSF3 gene. It is expected to result in an absent or disrupted protein product. Loss-of-function variants in ACSF3 are known to be pathogenic (PMID: 21841779, 26827111). This variant is present in population databases (rs759338401, gnomAD 0.003%). This variant has not been reported in the literature in individuals affected with ACSF3-related conditions. ClinVar contains an entry for this variant (Variation ID: 959078). For these reasons, this variant has been classified as Pathogenic.

Natera, Inc.
Classification: Likely pathogenic for Combined malonic and methylmalonic aciduria. Last evaluated: 2025-05-30. Review status: criteria provided, single submitter. Criteria: Natera Variant Classification Schema (03/2026). Collection method: clinical testing. Allele origin: germline.
Comment: The c.827G>A variant in ACSF3 is a nonsense variant predicted to introduce a stop codon at amino acid 276. This variant is expected to result in nonsense mediated decay, truncation, or a dysfunctional protein product. This variant is rare in the general population with a frequency below the threshold expected for the associated phenotype(s). Given the available evidence, this variant is classified as Likely Pathogenic.

Fulgent Genetics
Classification: Likely pathogenic for Combined malonic and methylmalonic acidemia. Last evaluated: 2024-04-14. Review status: criteria provided, single submitter. Criteria: ACMG Guidelines, 2015. Collection method: clinical testing. Allele origin: germline.

Baylor Genetics
Classification: Likely pathogenic for Combined malonic and methylmalonic acidemia. Last evaluated: 2024-02-05. Review status: criteria provided, single submitter. Criteria: ACMG Guidelines, 2015. Collection method: clinical testing. Allele origin: unknown.

Literature cited by the submitters: PubMed 21841779 (cited by Labcorp Genetics (formerly Invitae), Labcorp); PubMed 26827111 (cited by Labcorp Genetics (formerly Invitae), Labcorp).